The following is an entry in ClinVar:

ClinVar aggregate classification (germline): Uncertain significance. Review status: criteria provided, multiple submitters, no conflicts (2 of 4 stars). 2 submissions from 2 submitters: Uncertain significance (2). Last evaluated 2024-08-20.

Conditions:
Inborn genetic diseases. Identifiers: MedGen C0950123, MeSH D030342.

Allele frequency attached by ClinVar (database versions not stated): TOPMed below 0.00001; gnomAD 0.00003; gnomAD exomes 0.00007; 1000 Genomes Project 30x 0.00016; ExAC 0.00016; 1000 Genomes Project 0.00020.
gnomAD v4.1: 103 of 1,614,104 alleles (0.0064%); highest among the groups gnomAD compares: South Asian, 0.11%; 2 homozygotes.

Submissions (2):

Ambry Genetics
Classification: Uncertain significance for Inborn genetic diseases. Last evaluated: 2024-08-20. Review status: criteria provided, single submitter. Criteria: Ambry Variant Classification Scheme 2023. Collection method: clinical testing. Allele origin: germline.

Labcorp Genetics (formerly Invitae), Labcorp
Classification: Uncertain significance. Last evaluated: 2024-05-21. Review status: criteria provided, single submitter. Criteria: Invitae Variant Classification Sherloc (09022015). Collection method: clinical testing. Allele origin: germline.
Comment: This sequence change replaces methionine, which is neutral and non-polar, with isoleucine, which is neutral and non-polar, at codon 612 of the SPART protein (p.Met612Ile). This variant is present in population databases (rs200118187, gnomAD 0.1%). This variant has not been reported in the literature in individuals affected with SPART-related conditions. ClinVar contains an entry for this variant (Variation ID: 2183748). Algorithms developed to predict the effect of missense changes on protein structure and function output the following: SIFT: "Not Available"; PolyPhen-2: "Benign"; Align-GVGD: "Not Available". The isoleucine amino acid residue is found in multiple mammalian species, which suggests that this missense change does not adversely affect protein function. In summary, the available evidence is currently insufficient to determine the role of this variant in disease. Therefore, it has been classified as a Variant of Uncertain Significance.

NM_015087.5(SPART):c.1836G>A (p.Met612Ile)

Gene: SPART (spartin; minus strand). Cytogenetic location: 13q13.3.
Variant type: single nucleotide variant.
Coding change: c.1836G>A on transcript NM_015087.5 (MANE Select); coding-DNA position 1836, G replaced by A.
Protein change: p.Met612Ile; replaces methionine 612 with isoleucine.
Molecular consequence: missense variant.
Genome position (GRCh38, 1-based): chr13:36,304,530, C>T on the plus strand (G>A on the coding strand, the complement: SPART is on the minus strand). VCF-style: chr13-36304530-C-T. GRCh37 (hg19) VCF-style: chr13-36878667-C-T.
Other names: c.1836G>A, p.Met612Ile (NM_001142294.2, NM_001142295.2, NM_001142296.2); c.1836G>A (NM_015087.4); short protein forms M612I.
Identifiers: ClinVar variation 2183748 (VCV002183748.5), dbSNP rs200118187, ClinGen allele CA6949269.